The following is an entry in ClinVar:

ClinVar aggregate classification (germline): Benign (0 of 4 stars; one submission).

Conditions:
GRIK5-related disorder. Also called: GRIK5-related condition.

Allele frequency attached by ClinVar (database versions not stated): ESP Exome Variant Server 0.08319; 1000 Genomes Project 30x 0.08901; 1000 Genomes Project 0.08926; gnomAD 0.08963; TOPMed 0.09232; gnomAD exomes 0.11319; ExAC 0.11810.
gnomAD v4.1: 179,050 of 1,611,422 alleles (11%); highest among the groups gnomAD compares: Middle Eastern, 19%; 10,672 homozygotes.

Submission:

PreventionGenetics, part of Exact Sciences
Classification: Benign for GRIK5-related condition. Last evaluated: 2019-10-21. Review status: no assertion criteria provided. Collection method: clinical testing. Allele origin: germline.
Comment: This variant is classified as benign based on ACMG/AMP sequence variant interpretation guidelines (Richards et al. 2015 PMID: 25741868, with internal and published modifications).

NM_002088.5(GRIK5):c.904-5C>T

Gene: GRIK5 (glutamate ionotropic receptor kainate type subunit 5; minus strand). Cytogenetic location: 19q13.2.
Variant type: single nucleotide variant.
Coding change: c.904-5C>T on transcript NM_002088.5 (MANE Select); 5 bases into the intron before coding-DNA position 904, C replaced by T.
Molecular consequence: intron variant.
Genome position (GRCh38, 1-based): chr19:42,054,477, G>A on the plus strand (C>T on the coding strand, the complement: GRIK5 is on the minus strand). VCF-style: chr19-42054477-G-A. GRCh37 (hg19) VCF-style: chr19-42558629-G-A.
Other names: c.904-5C>T (NM_001301030.2).
Identifiers: ClinVar variation 3055643 (VCV003055643.2), dbSNP rs3736109, ClinGen allele CA9468555.